The following is an entry in ClinVar:

NM_015378.4(VPS13D):c.8363C>G (p.Pro2788Arg)

Gene: VPS13D (vacuolar protein sorting 13 homolog D; plus strand). Cytogenetic location: 1p36.22.
Variant type: single nucleotide variant.
Coding change: c.8363C>G on transcript NM_015378.4 (MANE Select); coding-DNA position 8363, C replaced by G.
Protein change: p.Pro2788Arg; replaces proline 2788 with arginine.
Molecular consequence: missense variant.
Genome position (GRCh38, 1-based): chr1:12,333,301, C>G. VCF-style: chr1-12333301-C-G. GRCh37 (hg19) VCF-style: chr1-12393358-C-G.
Other names: p.Pro2788Arg; c.8363C>G, p.Pro2788Arg (NM_018156.4); short protein forms P2788R.
Identifiers: ClinVar variation 1029396 (VCV001029396.9), dbSNP rs868755481, ClinGen allele CA18040029.
Genomic context (GRCh38, chr1:12,333,301, plus strand): 5'-TTGAGCCTTGGCCATGCTCTGTATCCTGGCAACAGCAGGCAGCTAGTCGTCTCCATCCTC[C>G]TCGACTGAAGCTAGAAGCCAAGGCCAAACCTCGTTTGGATATCAATATCACTTCTGTGCT-3'
Protein context (NP_056193.2, residues 2778-2798): QQQAASRLHP[Pro2788Arg]RLKLEAKAKP

ClinVar aggregate classification (germline): Uncertain significance. Review status: criteria provided, multiple submitters, no conflicts (2 of 4 stars). 5 submissions from 5 submitters: Uncertain significance (5). Last evaluated 2025-02-02.

Conditions:
Autosomal recessive cerebellar ataxia-saccadic intrusion syndrome. Also called: SPINOCEREBELLAR ATAXIA 24; VPS13D Movement Disorder. Identifiers: Orphanet 95434, MedGen C1846492, MONDO:0011811, OMIM 607317.
Inborn genetic diseases. Identifiers: MedGen C0950123, MeSH D030342.

Allele frequency attached by ClinVar (database versions not stated): gnomAD exomes below 0.00001 and 0.00001.
gnomAD v4.1: 22 of 1,614,138 alleles (0.0014%); highest among the groups gnomAD compares: Middle Eastern, 0.25%; 1 homozygote.

Submissions (5):

Mayo Clinic Laboratories, Mayo Clinic
Classification: Uncertain significance. Last evaluated: 2025-02-02. Review status: criteria provided, single submitter. Criteria: ACMG Guidelines, 2015. Collection method: clinical testing. Allele origin: germline. Observed: 1 variant allele.
Comment: BP4

Ambry Genetics
Classification: Uncertain significance for Inborn genetic diseases. Last evaluated: 2024-12-10. Review status: criteria provided, single submitter. Criteria: Ambry Variant Classification Scheme 2023. Collection method: clinical testing. Allele origin: germline.

Labcorp Genetics (formerly Invitae), Labcorp
Classification: Uncertain significance. Last evaluated: 2022-05-30. Review status: criteria provided, single submitter. Criteria: Invitae Variant Classification Sherloc (09022015). Collection method: clinical testing. Allele origin: germline.
Comment: In summary, the available evidence is currently insufficient to determine the role of this variant in disease. Therefore, it has been classified as a Variant of Uncertain Significance. Algorithms developed to predict the effect of missense changes on protein structure and function (SIFT, PolyPhen-2, Align-GVGD) all suggest that this variant is likely to be tolerated. ClinVar contains an entry for this variant (Variation ID: 1029396). This variant has not been reported in the literature in individuals affected with VPS13D-related conditions. This variant is present in population databases (no rsID available, gnomAD 0.0009%). This sequence change replaces proline, which is neutral and non-polar, with arginine, which is basic and polar, at codon 2788 of the VPS13D protein (p.Pro2788Arg).

Baylor Genetics
Classification: Uncertain significance for Autosomal recessive cerebellar ataxia-saccadic intrusion syndrome. Last evaluated: 2019-11-08. Review status: criteria provided, single submitter. Criteria: ACMG Guidelines, 2015. Collection method: clinical testing. Allele origin: unknown. Affected: yes.
Comment: This variant was determined to be of uncertain significance according to ACMG Guidelines, 2015 [PMID:25741868].

Breakthrough Genomics
Classification: Uncertain significance. Review status: criteria provided, single submitter. Criteria: ACMG Guidelines, 2015. Collection method: not provided. Allele origin: germline. Inheritance: Autosomal recessive inheritance. Affected: yes.